The following is an entry in ClinVar:

NM_004422.3(DVL2):c.-4G>C

Genes: DVL2 (dishevelled segment polarity protein 2; minus strand), LOC130060114 (ATAC-STARR-seq lymphoblastoid silent region 8089; plus strand). Cytogenetic location: 17p13.1.
Variant type: single nucleotide variant.
Coding change: c.-4G>C on transcript NM_004422.3 (MANE Select); 4 bases upstream of the start codon, G replaced by C.
Molecular consequence: 5 prime UTR variant.
Genome position (GRCh38, 1-based): chr17:7,234,266, C>G on the plus strand (G>C on the coding strand, the complement: DVL2 is on the minus strand). VCF-style: chr17-7234266-C-G. GRCh37 (hg19) VCF-style: chr17-7137585-C-G.
Identifiers: ClinVar variation 3047696 (VCV003047696.2), dbSNP rs751727843, ClinGen allele CA8339155.
Genomic context (GRCh38, chr17:7,234,266, plus strand): 5'-GTGGTAAATCACCTTCGTCTCCCCAACCCCACCGCCCCCAGTGCTGCTACCCGCCATGGT[C>G]TCGCCCGCGCGCTCCCGGGCTCCACCGCCCACCCAAAGGGCTAATGGCCCCTGCCGCGCC-3'

ClinVar aggregate classification (germline): Likely benign (0 of 4 stars; one submission).

Conditions:
DVL2-related disorder. Also called: DVL2-related condition.

Allele frequency attached by ClinVar (database versions not stated): gnomAD 0.00001; gnomAD exomes 0.00002; ExAC 0.00003; TOPMed 0.00004.

Submission:

PreventionGenetics, part of Exact Sciences
Classification: Likely benign for DVL2-related condition. Last evaluated: 2020-06-01. Review status: no assertion criteria provided. Collection method: clinical testing. Allele origin: germline.
Comment: This variant is classified as likely benign based on ACMG/AMP sequence variant interpretation guidelines (Richards et al. 2015 PMID: 25741868, with internal and published modifications).